The following is an entry in ClinVar:

ClinVar aggregate classification (germline): Likely pathogenic (1 of 4 stars; one submission).

Conditions:
Inborn genetic diseases. Identifiers: MedGen C0950123, MeSH D030342.

Submission:

Ambry Genetics
Classification: Likely pathogenic for Inborn genetic diseases. Last evaluated: 2022-11-14. Review status: criteria provided, single submitter. Criteria: Ambry Variant Classification Scheme 2023. Collection method: clinical testing. Allele origin: germline.
Comment: The c.2336delC (p.S779*) alteration, located in exon 2 (coding exon 1) of the LIG4 gene, consists of a deletion of one nucleotide at position 2336, causing a translational frameshift with a predicted alternate stop codon after amino acids. This alteration occurs at the 3' terminus of the LIG4 gene, is not expected to trigger nonsense-mediated mRNA decay, and only impacts the last 14% of the protein. However, premature stop codons are typically deleterious in nature, the impacted region is critical for protein function, and a significant portion of the protein is affected (Ambry internal data). This variant was not reported in population-based cohorts in the Genome Aggregation Database (gnomAD). Based on the available evidence, this alteration is classified as likely pathogenic.

NM_206937.2(LIG4):c.2336del (p.Phe778_Ser779insTer)

Gene: LIG4 (DNA ligase 4; minus strand). Cytogenetic location: 13q33.3.
Variant type: Deletion.
Coding change: c.2336del on transcript NM_206937.2 (MANE Select); coding-DNA position 2336, one base deleted (C; older notation c.2336delC).
Protein change: p.Phe778_Ser779insTer.
Molecular consequence: nonsense.
Genome position (GRCh38, 1-based): chr13:108,208,933, G deleted on the plus strand (C on the coding strand, the reverse complement: LIG4 is on the minus strand). VCF-style (leftmost placement, unchanged base first): chr13-108208932-TG-T. GRCh37 (hg19) VCF-style: chr13-108861280-TG-T.
Other names: c.2336del, p.Phe778_Ser779insTer (NM_001098268.2, NM_001352598.2, NM_001352599.2 and 6 more transcripts); c.2135del, p.Phe711_Ser712insTer (NM_001330595.2); c.2372del, p.Phe790_Ser791insTer (NM_001352604.2); c.2336delC (NM_002312.3).
Identifiers: ClinVar variation 2314461 (VCV002314461.2), dbSNP rs2501580705, ClinGen allele CA2580087241.